The following is an entry in ClinVar:

NM_018706.7(DHTKD1):c.1079T>C (p.Val360Ala)

Gene: DHTKD1 (dehydrogenase E1 and transketolase domain containing 1; plus strand). Cytogenetic location: 10p14.
Variant type: single nucleotide variant.
Coding change: c.1079T>C on transcript NM_018706.7 (MANE Select); coding-DNA position 1079, T replaced by C.
Protein change: p.Val360Ala; replaces valine 360 with alanine.
Molecular consequence: missense variant.
Genome position (GRCh38, 1-based): chr10:12,091,604, T>C. VCF-style: chr10-12091604-T-C. GRCh37 (hg19) VCF-style: chr10-12133603-T-C.
Other names: short protein forms V360A.
Identifiers: ClinVar variation 374604 (VCV000374604.63), dbSNP rs147571909, ClinGen allele CA5407740.
Genomic context (GRCh38, chr10:12,091,604, plus strand): 5'-GGATTGTTCCTGAAACATTCACGCTGTCCAATCTCCCACATTTCAGAATTGGTGGGAGTG[T>C]GCATTTGATTGTTAATAACCAGCTGGGTTACACCACTCCAGCTGAAAGAGGAAGGTCTTC-3'
Protein context (NP_061176.4, residues 350-370): NLPHFRIGGS[Val360Ala]HLIVNNQLGY

ClinVar aggregate classification (germline): Likely benign. Review status: criteria provided, multiple submitters, no conflicts (2 of 4 stars). 5 submissions from 5 submitters: Likely benign (4). 1 of the submissions does not count toward it. Last evaluated 2026-04-01.

Conditions:
2-aminoadipic 2-oxoadipic aciduria (AAKAD). Also called: ALPHA-AMINOADIPIC AND ALPHA-KETOADIPIC ACIDURIA; Aminoadipic aciduria. Identifiers: Orphanet 79154, MedGen C1859817, MONDO:0008774, OMIM 204750.
DHTKD1-related disorder. Also called: DHTKD1-related condition.

Allele frequency attached by ClinVar (database versions not stated): 1000 Genomes Project 30x 0.00094; 1000 Genomes Project 0.00100; gnomAD exomes 0.00339 and 0.00594; ExAC 0.00353; gnomAD 0.00403 and 0.00424; TOPMed 0.00413; ESP Exome Variant Server 0.00438.
gnomAD v4.1: 9,168 of 1,613,612 alleles (0.57%); highest among the groups gnomAD compares: Non-Finnish European, 0.72%; 37 homozygotes.

Submissions (5):

CeGaT Center for Human Genetics Tuebingen
Classification: Likely benign. Last evaluated: 2026-04-01. Review status: criteria provided, single submitter. Criteria: CeGaT Center For Human Genetics Tuebingen Variant Classification Criteria Version 2. Collection method: clinical testing. Allele origin: germline. Affected: yes. Observed: 16 variant alleles.
Comment: DHTKD1: BS2

Labcorp Genetics (formerly Invitae), Labcorp
Classification: Likely benign for 2-aminoadipic 2-oxoadipic aciduria. Last evaluated: 2026-01-21. Review status: criteria provided, single submitter. Criteria: Invitae Variant Classification Sherloc (09022015). Collection method: clinical testing. Allele origin: germline.

ARUP Laboratories, Molecular Genetics and Genomics, ARUP Laboratories
Classification: Likely benign. Last evaluated: 2025-05-11. Review status: criteria provided, single submitter. Criteria: ARUP Molecular Germline Variant Investigation Process 2024. Collection method: clinical testing. Allele origin: germline.

Breakthrough Genomics
Classification: Likely benign. Review status: criteria provided, single submitter. Criteria: ACMG Guidelines, 2015. Collection method: not provided. Allele origin: germline. Inheritance: Autosomal recessive inheritance. Affected: yes.

PreventionGenetics, part of Exact Sciences
Classification: Likely benign for DHTKD1-related condition. Last evaluated: 2020-01-31. Review status: no assertion criteria provided. Collection method: clinical testing. Allele origin: germline. Not counted in ClinVar's aggregate classification.
Comment: This variant is classified as likely benign based on ACMG/AMP sequence variant interpretation guidelines (Richards et al. 2015 PMID: 25741868, with internal and published modifications).